The following is an entry in ClinVar:

NM_001385641.1(SAMD11):c.1039C>T (p.Arg347Ter)

Gene: SAMD11 (sterile alpha motif domain containing 11; plus strand). Cytogenetic location: 1p36.33.
Variant type: single nucleotide variant.
Coding change: c.1039C>T on transcript NM_001385641.1 (MANE Select); coding-DNA position 1039, C replaced by T.
Protein change: p.Arg347Ter; replaces arginine 347 with a stop codon.
Molecular consequence: nonsense.
Genome position (GRCh38, 1-based): chr1:939,111, C>T. VCF-style: chr1-939111-C-T. GRCh37 (hg19) VCF-style: chr1-874491-C-T.
Other names: c.1039C>T, p.Arg347Ter (NM_001385640.1); c.502C>T, p.Arg168Ter (NM_152486.4); short protein forms R168*, R347*.
Identifiers: ClinVar variation 2202690 (VCV002202690.4), dbSNP rs1441881282, ClinGen allele CA337799927.

ClinVar aggregate classification (germline): Uncertain significance (1 of 4 stars; one submission).

Allele frequency attached by ClinVar (database versions not stated): gnomAD 0.00001; TOPMed 0.00001; gnomAD exomes 0.00002.
gnomAD v4.1: 27 of 1,597,194 alleles (0.0017%); highest among the groups gnomAD compares: Non-Finnish European, 0.002%; no homozygotes.

Submission:

Labcorp Genetics (formerly Invitae), Labcorp
Classification: Uncertain significance. Last evaluated: 2022-09-27. Review status: criteria provided, single submitter. Criteria: Invitae Variant Classification Sherloc (09022015). Collection method: clinical testing. Allele origin: germline.
Comment: This sequence change creates a premature translational stop signal (p.Arg168*) in the SAMD11 gene. It is expected to result in an absent or disrupted protein product. However, the current clinical and genetic evidence is not sufficient to establish whether loss-of-function variants in SAMD11 cause disease. The frequency data for this variant in the population databases is considered unreliable, as metrics indicate poor data quality at this position in the gnomAD database. This premature translational stop signal has been observed in individual(s) with SAMD11-related conditions (PMID: 27734943). In summary, the available evidence is currently insufficient to determine the role of this variant in disease. Therefore, it has been classified as a Variant of Uncertain Significance.

Literature cited by the submitters: PubMed 27734943.